The following is an entry in ClinVar:

NM_001257096.2(PAX1):c.169C>T (p.Pro57Ser)

Gene: PAX1 (paired box 1; plus strand). Cytogenetic location: 20p11.22.
Variant type: single nucleotide variant.
Coding change: c.169C>T on transcript NM_001257096.2 (MANE Select); coding-DNA position 169, C replaced by T.
Protein change: p.Pro57Ser; replaces proline 57 with serine.
Molecular consequence: missense variant.
Genome position (GRCh38, 1-based): chr20:21,705,881, C>T. VCF-style: chr20-21705881-C-T. GRCh37 (hg19) VCF-style: chr20-21686519-C-T.
Other names: c.169C>T, p.Pro57Ser (NM_006192.5); short protein forms P57S.
Identifiers: ClinVar variation 1499679 (VCV001499679.3), dbSNP rs961012616, ClinGen allele CA313027379.
Genomic context (GRCh38, chr20:21,705,881, plus strand): 5'-GCACAGCGCGTCTCCAGCCCGCGGCTGGGCCGCCGCGGCTCTCGGCTCTCGGGCGCCCTC[C>T]CTCTATGCCTCTCACGCGGCGGCGGCGGCGCCCAAGCTCTCCCGGACTGCGCCGGGCCCA-3'
Protein context (NP_001244025.1, residues 47-67): RRGSRLSGAL[Pro57Ser]LCLSRGGGGA

ClinVar aggregate classification (germline): Uncertain significance (1 of 4 stars; one submission).

Allele frequency attached by ClinVar (database versions not stated): gnomAD exomes 0.00001 and 0.00004; gnomAD 0.00004; TOPMed 0.00006.
gnomAD v4.1: 21 of 1,387,348 alleles (0.0015%); highest among the groups gnomAD compares: Admixed American, 0.017%; no homozygotes.

Submission:

Labcorp Genetics (formerly Invitae), Labcorp
Classification: Uncertain significance. Last evaluated: 2022-03-19. Review status: criteria provided, single submitter. Criteria: Invitae Variant Classification Sherloc (09022015). Collection method: clinical testing. Allele origin: germline.
Comment: This sequence change replaces proline, which is neutral and non-polar, with serine, which is neutral and polar, at codon 57 of the PAX1 protein (p.Pro57Ser). This variant is present in population databases (no rsID available, gnomAD 0.02%). This variant has not been reported in the literature in individuals affected with PAX1-related conditions. Algorithms developed to predict the effect of missense changes on protein structure and function are either unavailable or do not agree on the potential impact of this missense change (SIFT: "Tolerated"; PolyPhen-2: "Probably Damaging"; Align-GVGD: "Class C0"). In summary, the available evidence is currently insufficient to determine the role of this variant in disease. Therefore, it has been classified as a Variant of Uncertain Significance.